The following is an entry in ClinVar:

ClinVar aggregate classification (germline): Benign. Review status: criteria provided, multiple submitters, no conflicts (2 of 4 stars). 2 submissions from 2 submitters: Benign (2). Last evaluated 2018-06-14.

Allele frequency attached by ClinVar (database versions not stated): 1000 Genomes Project 30x 0.67661; TOPMed 0.68027; 1000 Genomes Project 0.68291; gnomAD 0.69187 and 0.69924.
gnomAD v4.1: 106,336 of 151,842 alleles (70%); highest among the groups gnomAD compares: East Asian, 87%; 39,960 homozygotes.

Submissions (2):

GeneDx
Classification: Benign. Last evaluated: 2018-06-14. Review status: criteria provided, single submitter. Criteria: GeneDx Variant Classification (06012015). Collection method: clinical testing. Allele origin: germline. Affected: yes.
Comment: This variant is considered likely benign or benign based on one or more of the following criteria: it is a conservative change, it occurs at a poorly conserved position in the protein, it is predicted to be benign by multiple in silico algorithms, and/or has population frequency not consistent with disease.

Breakthrough Genomics
Classification: Benign. Review status: criteria provided, single submitter. Criteria: ACMG Guidelines, 2015. Collection method: not provided. Allele origin: germline. Inheritance: Autosomal recessive inheritance. Affected: yes.

NM_001130987.2(DYSF):c.4527+204C>A

Gene: DYSF (dysferlin; plus strand). Cytogenetic location: 2p13.2.
Variant type: single nucleotide variant.
Coding change: c.4527+204C>A on transcript NM_001130987.2 (MANE Select); 204 bases into the intron after coding-DNA position 4527, C replaced by A.
Molecular consequence: intron variant.
Genome position (GRCh38, 1-based): chr2:71,620,813, C>A. VCF-style: chr2-71620813-C-A. GRCh37 (hg19) VCF-style: chr2-71847943-C-A.
Other names: c.4503+7403C>A (NM_001130979.2); c.4524+204C>A (NM_001130981.2); c.4461+7403C>A (NM_001130980.2); c.4473+204C>A (NM_001130978.2); c.4410+7403C>A (NM_003494.4); c.4431+204C>A (NM_001130977.2); c.4368+7403C>A (NM_001130976.2); c.4506+7403C>A (NM_001130982.2); and 5 more.
Identifiers: ClinVar variation 679995 (VCV000679995.2), dbSNP rs12995778, ClinGen allele CA11314456.
Genomic context (GRCh38, chr2:71,620,813, plus strand): 5'-TGCCTCACTGAAAAGGAGGGGTGAGAGAAAGCTATGGAGTAGATGCTCAGAAATGGACAC[C>A]CCTAGGTTACTTCCTGGGATTTACCTTATTTACCTGTGTGAGGGCTGGGGGCTTAGGTGG-3'